The following is an entry in ClinVar:

NM_001232.4(CASQ2):c.738-12_738-5del

Gene: CASQ2 (calsequestrin 2; minus strand). Cytogenetic location: 1p13.1.
Variant type: Deletion.
Coding change: c.738-12_738-5del on transcript NM_001232.4 (MANE Select); 12 bases into the intron before coding-DNA position 738 through 5 bases into the intron before coding-DNA position 738, 8 bases deleted (TTTTTTTT; older notation c.738-12_738-5delTTTTTTTT).
Molecular consequence: intron variant.
Genome position (GRCh38, 1-based): chr1:115,725,558-115,725,565, AAAAAAAA deleted on the plus strand (TTTTTTTT on the coding strand, the reverse complement: CASQ2 is on the minus strand); deleting any 8 consecutive bases within chr1:115,725,558-115,725,580 gives the same sequence; the c. name uses the placement nearest the transcript's 3' end. VCF-style (leftmost placement, unchanged base first): chr1-115725557-GAAAAAAAA-G. GRCh37 (hg19) VCF-style: chr1-116268178-GAAAAAAAA-G.
Other names: p.?; c.738-12_738-5delTTTTTTTT (NM_001232.3).
Identifiers: ClinVar variation 695571 (VCV000695571.12), dbSNP rs56889721, ClinGen allele CA419895933.

ClinVar aggregate classification (germline): Benign/Likely benign. Review status: criteria provided, multiple submitters, no conflicts (2 of 4 stars). 8 submissions from 8 submitters: Benign (4); Likely benign (2). 2 of the submissions do not count toward it. Last evaluated 2025-04-07.

Conditions:
Catecholaminergic polymorphic ventricular tachycardia 2. Also called: CASQ2-Related Catecholaminergic Polymorphic Ventricular Tachycardia; VENTRICULAR TACHYCARDIA, STRESS-INDUCED POLYMORPHIC 2. Identifiers: Orphanet 3286, MedGen C2677794, MONDO:0012762, OMIM 611938.

Submissions (8):

Mayo Clinic Laboratories, Mayo Clinic
Classification: Benign. Last evaluated: 2025-04-07. Review status: criteria provided, single submitter. Criteria: ACMG Guidelines, 2015. Collection method: clinical testing. Allele origin: germline. Observed: 2 variant alleles.
Comment: BS1, BS2, BP4, BP7

Blueprint Genetics
Classification: Likely benign. Last evaluated: 2024-09-25. Review status: criteria provided, single submitter. Criteria: ACMG Guidelines, 2015. Collection method: clinical testing. Allele origin: germline.

Genome-Nilou Lab
Classification: Benign for Catecholaminergic polymorphic ventricular tachycardia 2. Last evaluated: 2023-04-11. Review status: criteria provided, single submitter. Criteria: ACMG Guidelines, 2015. Collection method: clinical testing. Allele origin: germline. Affected: no.

Women's Health and Genetics/Laboratory Corporation of America, LabCorp
Classification: Benign. Last evaluated: 2019-09-25. Review status: criteria provided, single submitter. Criteria: LabCorp Variant Classification Summary - May 2015. Collection method: clinical testing. Allele origin: germline.
Comment: Variant summary: CASQ2 c.738-12_738-5delTTTTTTTT alters a nucleotide located close to a canonical splice site and therefore could affect mRNA splicing, leading to a significantly altered protein sequence. 5/5 computational tools predict no significant impact on normal splicing. However, these predictions have yet to be confirmed by functional studies. The variant allele was found at a frequency of 0.0079 in 17666 control chromosomes, predominantly at a frequency of 0.023 within the African or African-American subpopulation in the gnomAD database. The observed variant frequency within African or African-American control individuals in the gnomAD database is approximately 5 fold of the estimated maximal expected allele frequency for a pathogenic variant in CASQ2 causing Arrhythmia phenotype (0.0045), strongly suggesting that the variant is a benign polymorphism found primarily in populations of African or African-American origin. No clinical diagnostic laboratories have submitted clinical-significance assessments for this variant to ClinVar after 2014. However, multiple variants involving deletion of different number of Ts in this region have been reported as benign in ClinVar. Based on the evidence outlined above, the variant was classified as benign.

GeneDx
Classification: Likely benign. Last evaluated: 2019-08-13. Review status: criteria provided, single submitter. Criteria: GeneDx Variant Classification Process June 2021. Collection method: clinical testing. Allele origin: germline. Affected: yes.

Labcorp Genetics (formerly Invitae), Labcorp
Classification: Benign. Last evaluated: 2017-08-16. Review status: criteria provided, single submitter. Criteria: Invitae Variant Classification Sherloc (09022015). Collection method: clinical testing. Allele origin: germline.

Clinical Genetics, Academic Medical Center
Classification: Benign. Review status: no assertion criteria provided. Collection method: clinical testing. Allele origin: germline. Affected: yes. Study: VKGL Data-share Consensus. Not counted in ClinVar's aggregate classification.

Joint Genome Diagnostic Labs from Nijmegen and Maastricht, Radboudumc and MUMC+
Classification: Benign. Review status: no assertion criteria provided. Collection method: clinical testing. Allele origin: germline. Affected: yes. Study: VKGL Data-share Consensus. Not counted in ClinVar's aggregate classification.